The following is an entry in ClinVar:

ClinVar aggregate classification (germline): Uncertain significance (1 of 4 stars; one submission).

Submission:

GeneDx
Classification: Uncertain significance. Last evaluated: 2023-06-29. Review status: criteria provided, single submitter. Criteria: GeneDx Variant Classification Process June 2021. Collection method: clinical testing. Allele origin: germline. Affected: yes.
Comment: Not observed at significant frequency in large population cohorts (gnomAD); In silico analysis supports that this missense variant does not alter protein structure/function; Has not been previously published as pathogenic or benign to our knowledge

NM_001323289.2(CDKL5):c.2522A>G (p.Lys841Arg)

Gene: CDKL5 (cyclin dependent kinase like 5; plus strand). Cytogenetic location: Xp22.13.
Variant type: single nucleotide variant.
Coding change: c.2522A>G on transcript NM_001323289.2 (MANE Select); coding-DNA position 2522, A replaced by G.
Protein change: p.Lys841Arg; replaces lysine 841 with arginine.
Molecular consequence: missense variant.
Genome position (GRCh38, 1-based): chrX:18,628,396, A>G. VCF-style: chrX-18628396-A-G. GRCh37 (hg19) VCF-style: chrX-18646516-A-G.
Other names: c.2522A>G, p.Lys841Arg (NM_001037343.2, NM_003159.3); short protein forms K841R.
Identifiers: ClinVar variation 3360662 (VCV003360662.1).